The following is an entry in ClinVar:

ClinVar aggregate classification (germline): Uncertain significance. Review status: criteria provided, multiple submitters, no conflicts (2 of 4 stars). 2 submissions from 2 submitters: Uncertain significance (2). Last evaluated 2025-03-12.

Conditions:
Familial thoracic aortic aneurysm and aortic dissection (TAAD). Also called: Thoracic aortic aneurysms and dissections. Identifiers: Orphanet 91387, MedGen C4707243, MONDO:0019625.

gnomAD v4.1: 2 of 1,202,127 alleles (0.00017%); highest among the groups gnomAD compares: African/African-American, 0.0017%; no homozygotes.

Submissions (2):

GeneDx
Classification: Uncertain significance. Last evaluated: 2025-03-12. Review status: criteria provided, single submitter. Criteria: GeneDx Variant Classification Process June 2021. Collection method: clinical testing. Allele origin: germline.
Comment: Not observed at significant frequency in large population cohorts (gnomAD); In silico analysis supports that this missense variant has a deleterious effect on protein structure/function; Has not been previously published as pathogenic or benign to our knowledge

Ambry Genetics
Classification: Uncertain significance for Familial thoracic aortic aneurysm and aortic dissection. Last evaluated: 2022-04-19. Review status: criteria provided, single submitter. Criteria: Ambry Variant Classification Scheme 2023. Collection method: clinical testing. Allele origin: germline.
Comment: The p.P1754S variant (also known as c.5260C>T), located in coding exon 37 of the MED12 gene, results from a C to T substitution at nucleotide position 5260. The proline at codon 1754 is replaced by serine, an amino acid with similar properties. This amino acid position is conserved. In addition, this alteration is predicted to be tolerated by in silico analysis. Since supporting evidence is limited at this time, the clinical significance of this alteration remains unclear.

NM_005120.3(MED12):c.5260C>T (p.Pro1754Ser)

Gene: MED12 (mediator complex subunit 12; plus strand). Cytogenetic location: Xq13.1.
Variant type: single nucleotide variant.
Coding change: c.5260C>T on transcript NM_005120.3 (MANE Select); coding-DNA position 5260, C replaced by T.
Protein change: p.Pro1754Ser; replaces proline 1754 with serine.
Molecular consequence: missense variant.
Genome position (GRCh38, 1-based): chrX:71,136,515, C>T. VCF-style: chrX-71136515-C-T. GRCh37 (hg19) VCF-style: chrX-70356365-C-T.
Other names: short protein forms P1754S.
Identifiers: ClinVar variation 1746445 (VCV001746445.5), dbSNP rs1428158800, ClinGen allele CA413534651.